The following is an entry in ClinVar:

NM_015021.3(ZNF292):c.4897A>T (p.Lys1633Ter)

Gene: ZNF292 (zinc finger protein 292; plus strand). Cytogenetic location: 6q14.3.
Variant type: single nucleotide variant.
Coding change: c.4897A>T on transcript NM_015021.3 (MANE Select); coding-DNA position 4897, A replaced by T.
Protein change: p.Lys1633Ter; replaces lysine 1633 with a stop codon.
Molecular consequence: nonsense.
Genome position (GRCh38, 1-based): chr6:87,258,526, A>T. VCF-style: chr6-87258526-A-T. GRCh37 (hg19) VCF-style: chr6-87968244-A-T.
Other names: c.4477A>T, p.Lys1493Ter (NM_001351444.2); short protein forms K1493*, K1633*.
Identifiers: ClinVar variation 982165 (VCV000982165.8), dbSNP rs1775368255, ClinGen allele CA364928647.

ClinVar aggregate classification (germline): Pathogenic/Likely pathogenic. Review status: criteria provided, multiple submitters, no conflicts (2 of 4 stars). 4 submissions from 4 submitters: Pathogenic (2); Likely pathogenic (1). 1 of the submissions does not count toward it. Last evaluated 2024-05-30.

Conditions:
Neurodevelopmental disorder. Identifiers: MedGen C1535926, MeSH D065886, MONDO:0700092.
Inborn genetic diseases. Identifiers: MedGen C0950123, MeSH D030342.

Allele frequency attached by ClinVar (database versions not stated): TOPMed below 0.00001.

Submissions (4):

GeneDx
Classification: Likely pathogenic. Last evaluated: 2024-05-30. Review status: criteria provided, single submitter. Criteria: GeneDx Variant Classification Process June 2021. Collection method: clinical testing. Allele origin: germline. Affected: yes.
Comment: De novo variant with confirmed parentage in a patient with moderate intellectual disability, hypotonia, speech delay, growth failure, and abnormal brain imaging; however, this patient also harbors a de novo variant in the DHX30 gene (PMID: 31723249); Nonsense variant predicted to result in protein truncation, as the last 1091 amino acids are lost, and other loss-of-function variants have been reported downstream in HGMD; Not observed at significant frequency in large population cohorts (gnomAD); This variant is associated with the following publications: (PMID: 31723249)

Institute of Medical Genetics and Applied Genomics, University Hospital Tübingen
Classification: Pathogenic. Last evaluated: 2021-09-15. Review status: criteria provided, single submitter. Criteria: ACMG Guidelines, 2015. Collection method: clinical testing. Allele origin: germline. Inheritance: Autosomal dominant inheritance. Affected: yes.

Ambry Genetics
Classification: Pathogenic for Inborn genetic diseases. Last evaluated: 2020-06-18. Review status: criteria provided, single submitter. Criteria: Ambry Variant Classification Scheme 2023. Collection method: clinical testing. Allele origin: germline.
Comment: The alteration results in a premature stop codon: _x000D_ _x000D_ The c.4897A>T (p.K1633*) alteration, located in coding exon 8 of the ZNF292 gene, results from an A to T substitution at nucleotide position 4897. This changes the amino acid from a lysine (K) to a stop codon at amino acid position 1633. Premature stop codons are typically deleterious in nature; however, this stop codon occurs at the 3' terminus of ZNF292, is not expected to trigger nonsense-mediated mRNA decay, and a truncated protein could still be expressed (Maquat, 2004). This alteration removes the last 1091 (39.9%) amino acids of the protein. The exact functional impact of these removed amino acids is unknown at this time; however, this alteration and additional truncating alterations downstream of this alteration have been reported in the literature as disease-causing (Mirzaa, 2020). The alteration is not observed in population databases: _x000D_ _x000D_ Based on data from the Genome Aggregation Database (gnomAD), the ZNF292 c.4897A>T alteration was not observed, with coverage at this position. The alteration has been observed in affected individuals:_x000D_ _x000D_ This alteration was reported in a patient with a neurodevelopmental disorder (Mirzaa, 2020). Based on the available evidence, this alteration is classified as pathogenic.

University of Washington Center for Mendelian Genomics, University of Washington
Classification: Likely pathogenic for Neurodevelopmental disorder. Review status: no assertion criteria provided. Collection method: research. Allele origin: de novo. Affected: yes. Not counted in ClinVar's aggregate classification.

Literature cited by the submitters: PubMed 31723249 (cited by Ambry Genetics and University of Washington Center for Mendelian Genomics, University of Washington).